The following is an entry in ClinVar:

NM_001145026.2(PTPRQ):c.5216C>T (p.Thr1739Ile)

Gene: PTPRQ (protein tyrosine phosphatase receptor type Q; plus strand). Cytogenetic location: 12q21.31.
Variant type: single nucleotide variant.
Coding change: c.5216C>T on transcript NM_001145026.2 (MANE Select); coding-DNA position 5216, C replaced by T.
Protein change: p.Thr1739Ile; replaces threonine 1739 with isoleucine.
Molecular consequence: missense variant.
Genome position (GRCh38, 1-based): chr12:80,616,252, C>T. VCF-style: chr12-80616252-C-T. GRCh37 (hg19) VCF-style: chr12-81010031-C-T.
Other names: short protein forms T1739I.
Identifiers: ClinVar variation 2631116 (VCV002631116.1), dbSNP rs1408615919, ClinGen allele CA385940302.

ClinVar aggregate classification (germline): Uncertain significance (1 of 4 stars; one submission).

Conditions:
PTPRQ-related disorder. Also called: PTPRQ-related condition.

Allele frequency attached by ClinVar (database versions not stated): TOPMed 0.00001.
gnomAD v4.1: 2 of 1,489,166 alleles (0.00013%); highest among the groups gnomAD compares: African/African-American, 0.0029%; no homozygotes.

Submission:

PreventionGenetics, part of Exact Sciences
Classification: Uncertain significance for PTPRQ-related condition. Last evaluated: 2023-09-14. Review status: criteria provided, single submitter. Criteria: ACMG Guidelines, 2015. Collection method: clinical testing. Allele origin: germline.
Comment: The PTPRQ c.5216C>T variant is predicted to result in the amino acid substitution p.Thr1739Ile. To our knowledge, this variant has not been reported in the literature or in a large population database, indicating this variant is rare. At this time, the clinical significance of this variant is uncertain due to the absence of conclusive functional and genetic evidence.